The following is an entry in ClinVar:

ClinVar aggregate classification (germline): Uncertain significance (1 of 4 stars; one submission).

Conditions:
21-Hydroxylase-Deficient Congenital Adrenal Hyperplasia. Also called: ADRENAL HYPERPLASIA III; ADRENAL HYPERPLASIA, CONGENITAL, DUE TO 21-HYDROXYLASE DEFICIENCY. Identifiers: MedGen C2936858, OMIM 201910.

Submission:

3billion
Classification: Uncertain significance for 21-Hydroxylase-Deficient Congenital Adrenal Hyperplasia. Last evaluated: 2024-06-05. Review status: criteria provided, single submitter. Criteria: ACMG Guidelines, 2015. Collection method: clinical testing. Allele origin: germline. Affected: yes.
Comment: The variant is not observed in the gnomAD v4.0.0 dataset. Predicted Consequence/Location: Missense variant In silico tool predictions suggest damaging effect of the variant on gene or gene product [REVEL: 0.62 (>=0.6, sensitivity 0.68 and specificity 0.92); 3Cnet: 0.91 (>=0.6, sensitivity 0.72 and precision 0.9)]. Therefore, this variant is classified as VUS according to the recommendation of ACMG/AMP guideline.

NM_000500.9(CYP21A2):c.869T>G (p.Leu290Arg)

Genes: CYP21A2 (cytochrome P450 family 21 subfamily A member 2; plus strand), LOC106780800 (CYP21A2 recombination region; plus strand). Cytogenetic location: 6p21.33.
Variant type: single nucleotide variant.
Coding change: c.869T>G on transcript NM_000500.9 (MANE Select); coding-DNA position 869, T replaced by G.
Protein change: p.Leu290Arg; replaces leucine 290 with arginine.
Molecular consequence: missense variant.
Genome position (GRCh38, 1-based): chr6:32,040,135, T>G. VCF-style: chr6-32040135-T-G. GRCh37 (hg19) VCF-style: chr6-32007912-T-G.
Other names: c.779T>G, p.Leu260Arg (NM_001128590.4); c.464T>G, p.Leu155Arg (NM_001368143.2, NM_001368144.2); short protein forms L155R, L260R, L290R.
Identifiers: ClinVar variation 4293142 (VCV004293142.1).